The following is an entry in ClinVar:

ClinVar aggregate classification (germline): Uncertain significance (1 of 4 stars; one submission).

gnomAD v4.1: 1 of 1,564,396 alleles (0.000064%); highest among the groups gnomAD compares: Non-Finnish European, 0.000087%; no homozygotes.

Submission:

Labcorp Genetics (formerly Invitae), Labcorp
Classification: Uncertain significance. Last evaluated: 2021-09-04. Review status: criteria provided, single submitter. Criteria: Invitae Variant Classification Sherloc (09022015). Collection method: clinical testing. Allele origin: germline.
Comment: This variant is not present in population databases (ExAC no frequency). This sequence change replaces alanine with threonine at codon 25 of the MSRB3 protein (p.Ala25Thr). The alanine residue is weakly conserved and there is a small physicochemical difference between alanine and threonine. This variant has not been reported in the literature in individuals affected with MSRB3-related conditions. Algorithms developed to predict the effect of missense changes on protein structure and function (SIFT, PolyPhen-2, Align-GVGD) all suggest that this variant is likely to be tolerated. In summary, the available evidence is currently insufficient to determine the role of this variant in disease. Therefore, it has been classified as a Variant of Uncertain Significance.

NM_001031679.3(MSRB3):c.-76G>A

Gene: MSRB3 (methionine sulfoxide reductase B3; plus strand). Cytogenetic location: 12q14.3.
Variant type: single nucleotide variant.
Coding change: c.-76G>A on transcript NM_001031679.3 (MANE Select); 76 bases upstream of the start codon, G replaced by A.
Molecular consequence: 5 prime UTR variant. On other transcripts: missense variant (1).
Genome position (GRCh38, 1-based): chr12:65,278,841, G>A. VCF-style: chr12-65278841-G-A. GRCh37 (hg19) VCF-style: chr12-65672621-G-A.
Other names: c.-240G>A (NM_001193460.2); c.73G>A, p.Ala25Thr (NM_198080.4); short protein forms A25T.
Identifiers: ClinVar variation 1467829 (VCV001467829.6), dbSNP rs571492323, ClinGen allele CA238919240.